The following is an entry in ClinVar:

NM_003737.4(DCHS1):c.8111C>A (p.Pro2704Gln)

Gene: DCHS1 (dachsous cadherin-related 1; minus strand). Cytogenetic location: 11p15.4.
Variant type: single nucleotide variant.
Coding change: c.8111C>A on transcript NM_003737.4 (MANE Select); coding-DNA position 8111, C replaced by A.
Protein change: p.Pro2704Gln; replaces proline 2704 with glutamine.
Molecular consequence: missense variant.
Genome position (GRCh38, 1-based): chr11:6,623,565, G>T on the plus strand (C>A on the coding strand, the complement: DCHS1 is on the minus strand). VCF-style: chr11-6623565-G-T. GRCh37 (hg19) VCF-style: chr11-6644796-G-T.
Other names: short protein forms P2704Q.
Identifiers: ClinVar variation 2835731 (VCV002835731.3), dbSNP rs1365986383, ClinGen allele CA379481694.

ClinVar aggregate classification (germline): Uncertain significance (1 of 4 stars; one submission).

Submission:

Labcorp Genetics (formerly Invitae), Labcorp
Classification: Uncertain significance. Last evaluated: 2023-02-09. Review status: criteria provided, single submitter. Criteria: Invitae Variant Classification Sherloc (09022015). Collection method: clinical testing. Allele origin: germline.
Comment: In summary, the available evidence is currently insufficient to determine the role of this variant in disease. Therefore, it has been classified as a Variant of Uncertain Significance. Advanced modeling of protein sequence and biophysical properties (such as structural, functional, and spatial information, amino acid conservation, physicochemical variation, residue mobility, and thermodynamic stability) performed at Invitae indicates that this missense variant is not expected to disrupt DCHS1 protein function. This variant has not been reported in the literature in individuals affected with DCHS1-related conditions. This variant is not present in population databases (gnomAD no frequency). This sequence change replaces proline, which is neutral and non-polar, with glutamine, which is neutral and polar, at codon 2704 of the DCHS1 protein (p.Pro2704Gln).